The following is an entry in ClinVar:

ClinVar aggregate classification (germline): Likely benign (0 of 4 stars; one submission).

Conditions:
CTC1-related disorder. Also called: CTC1-related condition.

Allele frequency attached by ClinVar (database versions not stated): gnomAD 0.00001.
gnomAD v4.1: 2 of 1,614,042 alleles (0.00012%); highest among the groups gnomAD compares: African/African-American, 0.0013%; no homozygotes.

Submission:

PreventionGenetics, part of Exact Sciences
Classification: Likely benign for CTC1-related condition. Last evaluated: 2021-02-09. Review status: no assertion criteria provided. Collection method: clinical testing. Allele origin: germline.
Comment: This variant is classified as likely benign based on ACMG/AMP sequence variant interpretation guidelines (Richards et al. 2015 PMID: 25741868, with internal and published modifications).

NM_025099.6(CTC1):c.3408G>A (p.Glu1136=)

Gene: CTC1 (CST telomere replication complex component 1; minus strand). Cytogenetic location: 17p13.1.
Variant type: single nucleotide variant.
Coding change: c.3408G>A on transcript NM_025099.6 (MANE Select); coding-DNA position 3408, G replaced by A.
Protein change: p.Glu1136=; no amino-acid change (glutamic acid 1136 retained).
Molecular consequence: synonymous variant. On other transcripts: non-coding transcript variant (1).
Genome position (GRCh38, 1-based): chr17:8,228,609, C>T on the plus strand (G>A on the coding strand, the complement: CTC1 is on the minus strand). VCF-style: chr17-8228609-C-T. GRCh37 (hg19) VCF-style: chr17-8131927-C-T.
Other names: c.3177G>A, p.Glu1059= (NM_001411067.1).
Identifiers: ClinVar variation 3031444 (VCV003031444.2), dbSNP rs1193403038, ClinGen allele CA497958325.
Genomic context (GRCh38, chr17:8,228,609, plus strand): 5'-CACAATAGGACGGAGGACAGAGGGGCTAGTACAAAGTGTCCAGAGGAACATGGTCATGGG[C>T]TCGTCAACCCTGGCTGAAGACTAGAAAGAGAAGGTCAAGGTTAACTGGCTCCTAAACCCT-3'
Protein context (NP_079375.3, residues 1126-1146): AQLESSARVD[Glu1136=]PMTMFLWTLC